The following is an entry in ClinVar:

ClinVar aggregate classification (germline): Benign/Likely benign. Review status: criteria provided, multiple submitters, no conflicts (2 of 4 stars). 8 submissions from 8 submitters: Benign (3); Likely benign (5). Last evaluated 2026-01-07.

Conditions:
Inborn genetic diseases. Identifiers: MedGen C0950123, MeSH D030342.
Infantile-onset X-linked spinal muscular atrophy. Also called: Spinal muscular atrophy, X-linked 2; SPINAL MUSCULAR ATROPHY, X-LINKED LETHAL INFANTILE; Spinal Muscular Atrophy, X-Linked Infantile; AMC, DISTAL, X-LINKED; ARTHROGRYPOSIS, X-LINKED, TYPE I. Identifiers: Orphanet 1145, MedGen C1844934, MONDO:0010532, OMIM 301830.

Allele frequency attached by ClinVar (database versions not stated): ESP Exome Variant Server 0.00028; gnomAD exomes 0.00044 and 0.00058; gnomAD 0.00045 and 0.00052; TOPMed 0.00052; ExAC 0.00063.
gnomAD v4.1: 558 of 1,210,284 alleles (0.046%); highest among the groups gnomAD compares: Middle Eastern, 2.4%; 6 homozygotes.

Submissions (8):

Labcorp Genetics (formerly Invitae), Labcorp
Classification: Benign for Infantile-onset X-linked spinal muscular atrophy. Last evaluated: 2026-01-07. Review status: criteria provided, single submitter. Criteria: Invitae Variant Classification Sherloc (09022015). Collection method: clinical testing. Allele origin: germline.

Blueprint Genetics
Classification: Likely benign. Last evaluated: 2024-09-17. Review status: criteria provided, single submitter. Criteria: ACMG Guidelines, 2015. Collection method: clinical testing. Allele origin: germline.

Athena Diagnostics
Classification: Benign. Last evaluated: 2023-12-22. Review status: criteria provided, single submitter. Criteria: Athena Diagnostics Criteria. Collection method: clinical testing. Allele origin: unknown.

CeGaT Center for Human Genetics Tuebingen
Classification: Likely benign. Last evaluated: 2023-03-01. Review status: criteria provided, single submitter. Criteria: CeGaT Center For Human Genetics Tuebingen Variant Classification Criteria Version 2. Collection method: clinical testing. Allele origin: germline. Affected: yes. Observed: 9 variant alleles.
Comment: UBA1: BP4, BP7, BS2

Ambry Genetics
Classification: Likely benign for Inborn genetic diseases. Last evaluated: 2019-07-11. Review status: criteria provided, single submitter. Criteria: Ambry Variant Classification Scheme 2023. Collection method: clinical testing. Allele origin: germline.

GeneDx
Classification: Likely benign. Last evaluated: 2018-07-26. Review status: criteria provided, single submitter. Criteria: GeneDx Variant Classification Process June 2021. Collection method: clinical testing. Allele origin: germline. Affected: yes.

Illumina Laboratory Services, Illumina
Classification: Benign for Infantile-onset X-linked spinal muscular atrophy. Last evaluated: 2018-01-12. Review status: criteria provided, single submitter. Criteria: ICSL Variant Classification Criteria 13 December 2019. Collection method: clinical testing. Allele origin: germline.
Comment: This variant was observed in the ICSL laboratory as part of a predisposition screen in an ostensibly healthy population. It had not been previously curated by ICSL or reported in the Human Gene Mutation Database (HGMD: prior to June 1st, 2018), and was therefore a candidate for classification through an automated scoring system. Utilizing variant allele frequency, disease prevalence and penetrance estimates, and inheritance mode, an automated score was calculated to assess if this variant is too frequent to cause the disease. Based on the score and internal cut-off values, a variant classified as benign is not then subjected to further curation. The score for this variant resulted in a classification of benign for this disease.

Breakthrough Genomics
Classification: Likely benign. Review status: criteria provided, single submitter. Criteria: ACMG Guidelines, 2015. Collection method: not provided. Allele origin: germline. Inheritance: X-linked inheritance. Affected: yes.

NM_003334.4(UBA1):c.1137C>T (p.Asp379=)

Gene: UBA1 (ubiquitin like modifier activating enzyme 1; plus strand). Cytogenetic location: Xp11.3.
Variant type: single nucleotide variant.
Coding change: c.1137C>T on transcript NM_003334.4 (MANE Select); coding-DNA position 1137, C replaced by T.
Protein change: p.Asp379=; no amino-acid change (aspartic acid 379 retained).
Molecular consequence: synonymous variant.
Genome position (GRCh38, 1-based): chrX:47,202,718, C>T. VCF-style: chrX-47202718-C-T. GRCh37 (hg19) VCF-style: chrX-47062117-C-T.
Other names: c.1137C>T, p.Asp379= (NM_153280.3).
Identifiers: ClinVar variation 368333 (VCV000368333.46), dbSNP rs143935711, ClinGen allele CA10395850.